The following is an entry in ClinVar:

NM_005993.5(TBCD):c.1945G>A (p.Glu649Lys)

Gene: TBCD (tubulin folding cofactor D). Cytogenetic location: 17q25.3.
Variant type: single nucleotide variant.
Coding change: c.1945G>A on transcript NM_005993.5 (MANE Select); coding-DNA position 1945, G replaced by A.
Protein change: p.Glu649Lys; replaces glutamic acid 649 with lysine.
Molecular consequence: missense variant.
Genome position (GRCh38, 1-based): chr17:82,907,783, G>A. VCF-style: chr17-82907783-G-A. GRCh37 (hg19) VCF-style: chr17-80865659-G-A.
Other names: c.1894G>A, p.Glu632Lys (NM_001411101.1); c.1864G>A, p.Glu622Lys (NM_001411102.1); short protein forms E649K, E622K, E632K.
Identifiers: ClinVar variation 2183255 (VCV002183255.1), dbSNP rs760331502, ClinGen allele CA8862842.

ClinVar aggregate classification (germline): Uncertain significance (1 of 4 stars; one submission).

Allele frequency attached by ClinVar (database versions not stated): ExAC 0.00001; gnomAD 0.00002; TOPMed 0.00004.
gnomAD v4.1: 16 of 1,613,662 alleles (0.00099%); highest among the groups gnomAD compares: Middle Eastern, 0.033%; no homozygotes.

Submission:

Labcorp Genetics (formerly Invitae), Labcorp
Classification: Uncertain significance. Last evaluated: 2022-01-11. Review status: criteria provided, single submitter. Criteria: Invitae Variant Classification Sherloc (09022015). Collection method: clinical testing. Allele origin: germline.
Comment: This sequence change replaces glutamic acid, which is acidic and polar, with lysine, which is basic and polar, at codon 649 of the TBCD protein (p.Glu649Lys). This variant is present in population databases (rs760331502, gnomAD 0.01%). This variant has not been reported in the literature in individuals affected with TBCD-related conditions. Algorithms developed to predict the effect of missense changes on protein structure and function (SIFT, PolyPhen-2, Align-GVGD) all suggest that this variant is likely to be tolerated. In summary, the available evidence is currently insufficient to determine the role of this variant in disease. Therefore, it has been classified as a Variant of Uncertain Significance.